The following is an entry in ClinVar:

ClinVar aggregate classification (germline): Uncertain significance (1 of 4 stars; one submission).

Conditions:
SLC37A4-related disorder. Also called: SLC37A4-related condition.

Submission:

PreventionGenetics, part of Exact Sciences
Classification: Uncertain significance for SLC37A4-related condition. Last evaluated: 2026-04-21. Review status: criteria provided, single submitter. Criteria: ACMG Guidelines, 2015. Collection method: clinical testing. Allele origin: germline.
Comment: The SLC37A4 c.878T>G variant is predicted to result in the amino acid substitution p.Leu293Arg. To our knowledge, this variant has not been reported in the literature or in a large population database (gnomAD), indicating this variant is rare. At this time, the clinical significance of this variant is uncertain due to the absence of conclusive functional and genetic evidence.

NM_001164277.2(SLC37A4):c.878T>G (p.Leu293Arg)

Gene: SLC37A4 (solute carrier family 37 member 4; minus strand). Cytogenetic location: 11q23.3.
Variant type: single nucleotide variant.
Coding change: c.878T>G on transcript NM_001164277.2 (MANE Select); coding-DNA position 878, T replaced by G.
Protein change: p.Leu293Arg; replaces leucine 293 with arginine.
Molecular consequence: missense variant.
Genome position (GRCh38, 1-based): chr11:119,026,073, A>C on the plus strand (T>G on the coding strand, the complement: SLC37A4 is on the minus strand). VCF-style: chr11-119026073-A-C. GRCh37 (hg19) VCF-style: chr11-118896783-A-C.
Other names: c.878T>G, p.Leu293Arg (NM_001164278.2, NM_001164280.2, NM_001467.6); c.659T>G, p.Leu220Arg (NM_001164279.2); short protein forms L220R, L293R.
Identifiers: ClinVar variation 4992695 (VCV004992695.1).